The following is an entry in ClinVar:

ClinVar aggregate classification (germline): Conflicting classifications of pathogenicity. Review status: criteria provided, conflicting classifications (1 of 4 stars). 3 submissions from 3 submitters: Uncertain significance (1); Benign (2). Last evaluated 2024-05-09.

Submissions (3):

Labcorp Genetics (formerly Invitae), Labcorp
Classification: Benign. Last evaluated: 2024-05-09. Review status: criteria provided, single submitter. Criteria: Invitae Variant Classification Sherloc (09022015). Collection method: clinical testing. Allele origin: germline.

GeneDx
Classification: Uncertain significance. Last evaluated: 2023-05-24. Review status: criteria provided, single submitter. Criteria: GeneDx Variant Classification Process June 2021. Collection method: clinical testing. Allele origin: germline. Affected: yes.
Comment: Not observed at significant frequency in large population cohorts (gnomAD); In silico analysis supports that this missense variant has a deleterious effect on protein structure/function; Has not been previously published as pathogenic or benign to our knowledge

Breakthrough Genomics
Classification: Benign. Review status: criteria provided, single submitter. Criteria: ACMG Guidelines, 2015. Collection method: not provided. Allele origin: germline. Inheritance: Autosomal dominant inheritance. Affected: yes.

NM_182641.4(BPTF):c.2882T>A (p.Ile961Lys)

Gene: BPTF (bromodomain PHD finger transcription factor; plus strand). Cytogenetic location: 17q24.2.
Variant type: single nucleotide variant.
Coding change: c.2882T>A on transcript NM_182641.4 (MANE Select); coding-DNA position 2882, T replaced by A.
Protein change: p.Ile961Lys; replaces isoleucine 961 with lysine.
Molecular consequence: missense variant.
Genome position (GRCh38, 1-based): chr17:67,909,651, T>A. VCF-style: chr17-67909651-T-A. GRCh37 (hg19) VCF-style: chr17-65905767-T-A.
Other names: c.3260T>A (NM_004459.6); c.3260T>A, p.Ile1087Lys (NM_004459.7); short protein forms I1087K, I961K.
Identifiers: ClinVar variation 1998275 (VCV001998275.6), dbSNP rs2511416555, ClinGen allele CA400723505.